The following is an entry in ClinVar:

ClinVar aggregate classification (germline): Uncertain significance. Review status: criteria provided, multiple submitters, no conflicts (2 of 4 stars). 3 submissions from 3 submitters: Uncertain significance (3). Last evaluated 2026-02-02.

Conditions:
ALG6-congenital disorder of glycosylation 1C (CDG1C). Also called: Congenital disorder of glycosylation, type Ic; CARBOHYDRATE-DEFICIENT GLYCOPROTEIN SYNDROME, TYPE I, WITH DEFICIENT GLYCOSYLATION OF DOLICHOL-LINKED OLIGOSACCHARIDE; CARBOHYDRATE-DEFICIENT GLYCOPROTEIN SYNDROME, TYPE V; Congenital disorder of glycosylation type 1C; CDG Ic. Identifiers: Orphanet 79320, MedGen C2930997, MONDO:0011291, OMIM 603147.

Allele frequency attached by ClinVar (database versions not stated): gnomAD 0.00007; gnomAD exomes 0.00010 and 0.00013; ExAC 0.00012; ESP Exome Variant Server 0.00015; TOPMed 0.00015.
gnomAD v4.1: 152 of 1,613,632 alleles (0.0094%); highest among the groups gnomAD compares: East Asian, 0.042%; no homozygotes.

Submissions (3):

Women's Health and Genetics/Laboratory Corporation of America, LabCorp
Classification: Uncertain significance. Last evaluated: 2026-02-02. Review status: criteria provided, single submitter. Criteria: LabCorp Variant Classification Summary - May 2015. Collection method: clinical testing. Allele origin: germline.
Comment: Variant summary: ALG6 c.1442A>G (p.Asn481Ser) results in a conservative amino acid change in the encoded protein sequence. Algorithms developed to predict the effect of missense changes on protein structure and function are either unavailable or do not agree on the potential impact of this missense change. The variant allele was found at a frequency of 0.00013 in 250950 control chromosomes (gnomAD). This frequency is not significantly higher than estimated for disease-causing variants in ALG6, allowing no conclusion about variant significance. c.1442A>G has been observed in a heterozygous individual affected with bilateral polycystic kidneys and polycystic liver, which might belong to the symptom spectrum of ALG6-related disorders (Schonauer_2020), however this patient also carried another missense variant in the ALG6 gene. This report does not provide unequivocal conclusions about association of the variant with ALG6-congenital disorder of glycosylation 1C. To our knowledge, no experimental evidence demonstrating an impact on protein function has been reported. The following publication has been ascertained in the context of this evaluation (PMID: 32398770). ClinVar contains an entry for this variant (Variation ID: 128351). Based on the evidence outlined above, the variant was classified as uncertain significance.

Labcorp Genetics (formerly Invitae), Labcorp
Classification: Uncertain significance for ALG6-congenital disorder of glycosylation 1C. Last evaluated: 2026-01-12. Review status: criteria provided, single submitter. Criteria: Invitae Variant Classification Sherloc (09022015). Collection method: clinical testing. Allele origin: germline.
Comment: This sequence change replaces asparagine, which is neutral and polar, with serine, which is neutral and polar, at codon 481 of the ALG6 protein (p.Asn481Ser). This variant is present in population databases (rs139521934, gnomAD 0.03%). This missense change has been observed in individual(s) with clinical features of ALG6-related conditions (PMID: 32398770). ClinVar contains an entry for this variant (Variation ID: 128351). Invitae Evidence Modeling of protein sequence and biophysical properties (such as structural, functional, and spatial information, amino acid conservation, physicochemical variation, residue mobility, and thermodynamic stability) indicates that this missense variant is not expected to disrupt ALG6 protein function with a negative predictive value of 95%. In summary, the available evidence is currently insufficient to determine the role of this variant in disease. Therefore, it has been classified as a Variant of Uncertain Significance.

Genetic Services Laboratory, University of Chicago
Classification: Uncertain significance. Last evaluated: 2014-03-31. Review status: criteria provided, single submitter. Criteria: ACMG Guidelines, 2007. Collection method: clinical testing. Allele origin: germline. Inheritance: Autosomal recessive inheritance.

Literature cited by the submitters: PubMed 32398770 (cited by Women's Health and Genetics/Laboratory Corporation of America, LabCorp and Labcorp Genetics (formerly Invitae), Labcorp).

NM_013339.4(ALG6):c.1442A>G (p.Asn481Ser)

Gene: ALG6 (ALG6 alpha-1,3-glucosyltransferase; plus strand). Cytogenetic location: 1p31.3.
Variant type: single nucleotide variant.
Coding change: c.1442A>G on transcript NM_013339.4 (MANE Select); coding-DNA position 1442, A replaced by G.
Protein change: p.Asn481Ser; replaces asparagine 481 with serine.
Molecular consequence: missense variant.
Genome position (GRCh38, 1-based): chr1:63,436,938, A>G. VCF-style: chr1-63436938-A-G. GRCh37 (hg19) VCF-style: chr1-63902609-A-G.
Other names: c.1442A>G, p.Asn481Ser (LRG_1260t1); short protein forms N481S.
Identifiers: ClinVar variation 128351 (VCV000128351.11), dbSNP rs139521934, ClinGen allele CA230874.
Genomic context (GRCh38, chr1:63,436,938, plus strand): 5'-ATCCTCCTCAGAAACTACCGGACTTGTTTTCTGTATTGGTGTGTTTTGTATCTTGCTTGA[A>G]CTTCCTGTTCTTCTTGGTATACTTTAACATTATTATTATGTGGGATTCCAAAAGTGGAAG-3'
Protein context (NP_037471.2, residues 471-491): SVLVCFVSCL[Asn481Ser]FLFFLVYFNI